The following is an entry in ClinVar:

NM_000214.3(JAG1):c.1249G>A (p.Glu417Lys)

Gene: JAG1 (jagged canonical Notch ligand 1; minus strand). Cytogenetic location: 20p12.2.
Variant type: single nucleotide variant.
Coding change: c.1249G>A on transcript NM_000214.3 (MANE Select); coding-DNA position 1249, G replaced by A.
Protein change: p.Glu417Lys; replaces glutamic acid 417 with lysine.
Molecular consequence: missense variant.
Genome position (GRCh38, 1-based): chr20:10,649,621, C>T on the plus strand (G>A on the coding strand, the complement: JAG1 is on the minus strand). VCF-style: chr20-10649621-C-T. GRCh37 (hg19) VCF-style: chr20-10630269-C-T.
Other names: short protein forms E417K.
Identifiers: ClinVar variation 2005854 (VCV002005854.4), dbSNP rs2514518403, ClinGen allele CA408238312.

ClinVar aggregate classification (germline): Uncertain significance (1 of 4 stars; one submission).

Conditions:
Alagille syndrome due to a JAG1 point mutation. Also called: HEPATIC DUCTULAR HYPOPLASIA, SYNDROMATIC; JAG1-Related Alagille Syndrome; Alagille Syndrome 1. Identifiers: Orphanet 261619, Orphanet 52, MedGen C1956125, MONDO:0016862, OMIM 118450.

Submission:

Labcorp Genetics (formerly Invitae), Labcorp
Classification: Uncertain significance for Alagille syndrome due to a JAG1 point mutation. Last evaluated: 2022-11-22. Review status: criteria provided, single submitter. Criteria: Invitae Variant Classification Sherloc (09022015). Collection method: clinical testing. Allele origin: germline.
Comment: In summary, the available evidence is currently insufficient to determine the role of this variant in disease. Therefore, it has been classified as a Variant of Uncertain Significance. Advanced modeling of protein sequence and biophysical properties (such as structural, functional, and spatial information, amino acid conservation, physicochemical variation, residue mobility, and thermodynamic stability) performed at Invitae indicates that this missense variant is not expected to disrupt JAG1 protein function. This variant has not been reported in the literature in individuals affected with JAG1-related conditions. This variant is not present in population databases (gnomAD no frequency). This sequence change replaces glutamic acid, which is acidic and polar, with lysine, which is basic and polar, at codon 417 of the JAG1 protein (p.Glu417Lys).